The following is an entry in ClinVar:

ClinVar aggregate classification (germline): Conflicting classifications of pathogenicity. Review status: criteria provided, conflicting classifications (1 of 4 stars). 12 submissions from 12 submitters: Uncertain significance (7); Likely benign (2). 3 of the submissions do not count toward it. Last evaluated 2025-11-25.

Conditions:
Inherited breast cancer and ovarian cancer.
Hereditary cancer-predisposing syndrome. Also called: Tumor predisposition; Neoplastic Syndromes, Hereditary; Hereditary Cancer Syndrome; Hereditary neoplastic syndrome. Identifiers: Orphanet 140162, MedGen C0027672, MeSH D009386, MONDO:0015356.
Hereditary breast ovarian cancer syndrome. Also called: Hereditary breast and ovarian cancer syndrome (HBOC); Hereditary breast and ovarian cancer syndrome; Hereditary breast and ovarian cancer; Hereditary breast and/or ovarian cancer syndrome; Breast and ovarian cancer; BRCA1- and BRCA2-Associated Hereditary Breast and Ovarian Cancer. Identifiers: Orphanet 145, MedGen C0677776, MeSH D061325, MONDO:0003582. Disease mechanism: loss of function.
Breast-ovarian cancer, familial, susceptibility to, 1 (BROVCA1). Also called: OVARIAN CANCER, SUSCEPTIBILITY TO; BRCA1 Hereditary Breast and Ovarian Cancer. Identifiers: Orphanet 145, MedGen C2676676, MONDO:0011450, OMIM 604370. Disease mechanism: loss of function.

Submissions (12):

Labcorp Genetics (formerly Invitae), Labcorp
Classification: Likely benign for Hereditary breast ovarian cancer syndrome. Last evaluated: 2025-11-25. Review status: criteria provided, single submitter. Criteria: Invitae Variant Classification Sherloc (09022015). Collection method: clinical testing. Allele origin: germline.

Women's Health and Genetics/Laboratory Corporation of America, LabCorp
Classification: Uncertain significance. Last evaluated: 2025-10-30. Review status: criteria provided, single submitter. Criteria: LabCorp Variant Classification Summary - May 2015. Collection method: clinical testing. Allele origin: germline.
Comment: Variant summary: BRCA1 c.2998_3003delGAGGAA (p.Glu1000_Glu1001del) results in an in-frame deletion that is predicted to remove two amino acids from the encoded protein. The variant allele was found at a frequency of 1.6e-05 in 251448 control chromosomes. The available data on variant occurrences in the general population are insufficient to allow any conclusion about variant significance. c.2998_3003delGAGGAA has been reported in the literature in individuals affected with Hereditary Breast And Ovarian Cancer Syndrome, without strong evidence for causality (Peto_1999, Smith_2001, Kang_2016). These reports do not provide unequivocal conclusions about association of the variant with Hereditary Breast And Ovarian Cancer Syndrome. To our knowledge, no experimental evidence demonstrating an impact on protein function has been reported. The following publications have been ascertained in the context of this evaluation (PMID: 10359546, 11733976, 27375968). ClinVar contains an entry for this variant (Variation ID: 54743). Based on the evidence outlined above, the variant was classified as uncertain significance.

Cambridge Genomics Laboratory, East Genomic Laboratory Hub, NHS Genomic Medicine Service
Classification: Uncertain significance for Inherited breast cancer and ovarian cancer. Last evaluated: 2025-04-10. Review status: criteria provided, single submitter. Criteria: ACGS Best Practice Guidelines for Variant Classification in Rare Disease 2020. Collection method: clinical testing. Allele origin: germline. Affected: yes.

Ambry Genetics
Classification: Uncertain significance for Hereditary cancer-predisposing syndrome. Last evaluated: 2024-09-27. Review status: criteria provided, single submitter. Criteria: Ambry Variant Classification Scheme 2023. Collection method: clinical testing. Allele origin: germline.
Comment: The c.2998_3003delGAGGAA variant (also known as p.E1000_E1001del) is located in coding exon 9 of the BRCA1 gene. This variant is an in-frame deletion of 6 nucleotides between nucleotide positions 2998 and 3003 and results in the deletion of 2 glutamate residues at codons 1000 and 1001. This variant was detected in breast and ovarian cancer cohorts (Gaba F et al. Cancers (Basel), 2020 May;12:); Smith SA et al. Gynecol. Oncol. 2001 Dec;83:586-92; Peto J et al. J. Natl. Cancer. Inst. 1999 Jun;91:943-9) but was classified as unknown significance in both publications. Of note, this alteration is also referred to as 3117del6 and "Glu-1000 and Glu-1001 deletion" in published literature. This amino acid region is well conserved in available vertebrate species. In addition, this alteration is predicted to be deleterious by in silico analysis (Choi Y et al. PLoS ONE. 2012; 7(10):e46688). Based on the available evidence, the clinical significance of this variant remains unclear.

GeneDx
Classification: Uncertain significance. Last evaluated: 2024-09-09. Review status: criteria provided, single submitter. Criteria: GeneDx Variant Classification Process June 2021. Collection method: clinical testing. Allele origin: germline. Affected: yes.
Comment: In-frame deletion of two amino acids in a non-repeat region; In silico analysis supports a deleterious effect on protein structure/function; Located in the critical DNA binding domain (PMID: 15343273); Identified in women with breast or ovarian cancer (PMID: 10359546, 11733976); Not observed at significant frequency in large population cohorts (gnomAD); Also known as 3117del6; This variant is associated with the following publications: (PMID: 10359546, 32429029, 31853058, 15343273, 31131967, 11733976)

Quest Diagnostics Nichols Institute San Juan Capistrano
Classification: Uncertain significance. Last evaluated: 2021-01-20. Review status: criteria provided, single submitter. Criteria: Quest Diagnostics criteria. Collection method: clinical testing. Allele origin: unknown.

ARUP Laboratories, Molecular Genetics and Genomics, ARUP Laboratories
Classification: Uncertain significance. Last evaluated: 2020-05-05. Review status: criteria provided, single submitter. Criteria: ARUP Molecular Germline Variant Investigation Process. Collection method: clinical testing. Allele origin: germline.
Comment: The BRCA2 c.2998_3003delGAGGAA; p.Glu1000_Glu1001del variant (rs80358333) is reported in the literature in a cohort individuals affected with early-onset breast cancer (Peto 1999). This variant is found on only five chromosomes (5/282204 alleles) in the Genome Aggregation Database. This variant deletes two moderately conserved glutamate residues, leaving the rest of the protein in-frame. However, due to limited information, the clinical significance of the p.Glu1000_Glu1001del variant is uncertain at this time. References: Peto J et al. Prevalence of BRCA1 and BRCA2 gene mutations in patients with early-onset breast cancer. J Natl Cancer Inst. 1999 Jun 2;91(11):943-9.

Color Diagnostics, LLC DBA Color Health
Classification: Likely benign for Hereditary cancer-predisposing syndrome. Last evaluated: 2017-06-13. Review status: criteria provided, single submitter. Criteria: ACMG Guidelines, 2015. Collection method: clinical testing. Allele origin: germline.

Pathway Genomics
Classification: Uncertain significance for Breast-ovarian cancer, familial 1. Last evaluated: 2014-10-30. Review status: criteria provided, single submitter. Criteria: ACMG Guidelines, 2015. Collection method: clinical testing. Allele origin: germline. Affected: no.

Sharing Clinical Reports Project (SCRP)
Classification: Likely benign for Breast-ovarian cancer, familial 1. Last evaluated: 2012-03-12. Review status: no assertion criteria provided. Collection method: clinical testing. Allele origin: germline. Not counted in ClinVar's aggregate classification.

Breast Cancer Information Core (BIC) (BRCA1)
Classification: Uncertain significance for Breast-ovarian cancer, familial 1. Last evaluated: 2000-06-12. Review status: no assertion criteria provided. Collection method: clinical testing. Allele origin: germline. Affected: yes. Observed: 2 variant alleles. Not counted in ClinVar's aggregate classification.

Department of Pathology and Laboratory Medicine, Sinai Health System
Classification: Uncertain significance. Review status: no assertion criteria provided. Collection method: clinical testing. Allele origin: unknown. Affected: yes. Observed: 2 variant alleles. Study: The Canadian Open Genetics Repository (COGR). Not counted in ClinVar's aggregate classification.
Comment: The p.Glu1000_Glu1001del variant has been previously reported in the BIC database as a variant of unknown clinical significance. This is an in frame-deletion which removes two amino acids (Glu-Glu) from the BRCA1 protein. The p.Glu1000 residue is conserved in mammals and the p.Glu1001 residue is not well conserved, with a Gly (glycine) at this position in mouse. However, this information does not help to predict the impact of this variant on protein function. In summary, the clinical significance of this variant cannot be determined with certainty at this time, although this variant is of the type that may have clinical significance. Based on the above information, this variant is classified as a variant of unknown significance.

Literature cited by the submitters: PubMed 10359546 (cited by Women's Health and Genetics/Laboratory Corporation of America, LabCorp and Quest Diagnostics Nichols Institute San Juan Capistrano); PubMed 11733976 (cited by Women's Health and Genetics/Laboratory Corporation of America, LabCorp and Quest Diagnostics Nichols Institute San Juan Capistrano); PubMed 27375968 (cited by Women's Health and Genetics/Laboratory Corporation of America, LabCorp); PubMed 32429029 (cited by Ambry Genetics and Quest Diagnostics Nichols Institute San Juan Capistrano); PubMed 10923033 (cited by Pathway Genomics); PubMed 24234437 (cited by Pathway Genomics).

NM_007294.4(BRCA1):c.2998_3003del (p.Glu1000_Glu1001del)

Gene: BRCA1 (BRCA1 DNA repair associated; minus strand). Cytogenetic location: 17q21.31.
Variant type: Deletion.
Coding change: c.2998_3003del on transcript NM_007294.4 (MANE Select); coding-DNA positions 2998 to 3003, 6 bases deleted (GAGGAA; older notation c.2998_3003delGAGGAA).
Protein change: p.Glu1000_Glu1001del.
Molecular consequence: inframe deletion. On other transcripts: inframe indel (1), intron variant (137).
Genome position (GRCh38, 1-based): chr17:43,092,528-43,092,533, TTCCTC deleted on the plus strand (GAGGAA on the coding strand, the reverse complement: BRCA1 is on the minus strand); deleting any 6 consecutive bases within chr17:43,092,528-43,092,534 gives the same sequence; the c. name uses the placement nearest the transcript's 3' end. VCF-style (leftmost placement, unchanged base first): chr17-43092527-TTTCCTC-T. GRCh37 (hg19) VCF-style: chr17-41244544-TTTCCTC-T.
Other names: EE1000del; 3117del6; c.2998_3003delGAGGAA (NM_007294.3, NM_007294.4); c.2998_3003del, p.Glu1000_Glu1001del (NM_001407616.1, NM_001407617.1, NM_001407618.1 and 30 more transcripts); c.2995_3000del, p.Glu999_Glu1000del (NM_001407627.1, NM_001407628.1, NM_001407629.1 and 22 more transcripts); c.2989_2994del, p.Glu997_Glu998del (NM_001407646.1, NM_001407647.1); c.2875_2880del, p.Glu959_Glu960del (NM_001407648.1, NM_001407664.1, NM_001407665.1 and 19 more transcripts); c.2872_2877del, p.Glu958_Glu959del (NM_001407649.1, NM_001407670.1, NM_001407671.1 and 11 more transcripts); and 44 more.
Identifiers: ClinVar variation 54743 (VCV000054743.35), dbSNP rs80358333, ClinGen allele CA001949.